The following is an entry in ClinVar:

ClinVar aggregate classification (germline): Uncertain significance. Review status: criteria provided, multiple submitters, no conflicts (2 of 4 stars). 2 submissions from 2 submitters: Uncertain significance (2). Last evaluated 2024-03-01.

Allele frequency attached by ClinVar (database versions not stated): gnomAD exomes below 0.00001.
gnomAD v4.1: 4 of 1,613,632 alleles (0.00025%); highest among the groups gnomAD compares: Admixed American, 0.0033%; no homozygotes.

Submissions (2):

Labcorp Genetics (formerly Invitae), Labcorp
Classification: Uncertain significance. Last evaluated: 2024-03-01. Review status: criteria provided, single submitter. Criteria: Invitae Variant Classification Sherloc (09022015). Collection method: clinical testing. Allele origin: germline.
Comment: This sequence change replaces arginine, which is basic and polar, with lysine, which is basic and polar, at codon 197 of the SLC1A3 protein (p.Arg197Lys). This variant is not present in population databases (gnomAD no frequency). This variant has not been reported in the literature in individuals affected with SLC1A3-related conditions. ClinVar contains an entry for this variant (Variation ID: 448408). Algorithms developed to predict the effect of missense changes on protein structure and function output the following: SIFT: "Not Available"; PolyPhen-2: "Benign"; Align-GVGD: "Not Available". The lysine amino acid residue is found in multiple mammalian species, which suggests that this missense change does not adversely affect protein function. In summary, the available evidence is currently insufficient to determine the role of this variant in disease. Therefore, it has been classified as a Variant of Uncertain Significance.

Athena Diagnostics
Classification: Uncertain significance. Last evaluated: 2017-05-11. Review status: criteria provided, single submitter. Criteria: Athena Diagnostics Criteria. Collection method: clinical testing. Allele origin: germline.

NM_004172.5(SLC1A3):c.590G>A (p.Arg197Lys)

Genes: SLC1A3 (solute carrier family 1 member 3; plus strand), SLC1A3-AS1 (SLC1A3 antisense RNA 1; minus strand). Cytogenetic location: 5p13.2.
Variant type: single nucleotide variant.
Coding change: c.590G>A on transcript NM_004172.5 (MANE Select); coding-DNA position 590, G replaced by A.
Protein change: p.Arg197Lys; replaces arginine 197 with lysine.
Molecular consequence: missense variant. On other transcripts: intron variant (1).
Genome position (GRCh38, 1-based): chr5:36,676,914, G>A. VCF-style: chr5-36676914-G-A. GRCh37 (hg19) VCF-style: chr5-36677016-G-A.
Other names: c.590G>A, p.Arg197Lys (NM_001166695.3); c.452G>A, p.Arg151Lys (NM_001289939.2); c.525-2713G>A (NM_001289940.2); short protein forms R197K, R151K.
Identifiers: ClinVar variation 448408 (VCV000448408.4), dbSNP rs1554045196, ClinGen allele CA359478195.